The following is an entry in ClinVar:

ClinVar aggregate classification (germline): Uncertain significance (1 of 4 stars; one submission).

Conditions:
Spastic paraplegia. Identifiers: MedGen C0037772, HP:0001258.

Submission:

Labcorp Genetics (formerly Invitae), Labcorp
Classification: Uncertain significance for Spastic paraplegia. Last evaluated: 2017-07-24. Review status: criteria provided, single submitter. Criteria: Invitae Variant Classification Sherloc (09022015). Collection method: clinical testing. Allele origin: germline.
Comment: This variant is not present in population databases (ExAC no frequency). In summary, the available evidence is currently insufficient to determine the role of this variant in disease. Therefore, it has been classified as a Variant of Uncertain Significance. Algorithms developed to predict the effect of missense changes on protein structure and function do not agree on the potential impact of this missense change (SIFT: "Deleterious"; PolyPhen-2: "Probably Damaging"; Align-GVGD: "Class C15"). This variant has not been reported in the literature in individuals with SLC16A2-related disease. This sequence change replaces cysteine with arginine at codon 362 of the SLC16A2 protein (p.Cys362Arg). The cysteine residue is highly conserved and there is a large physicochemical difference between cysteine and arginine.

NM_006517.5(SLC16A2):c.1084T>C (p.Cys362Arg)

Gene: SLC16A2 (solute carrier family 16 member 2; plus strand). Cytogenetic location: Xq13.2.
Variant type: single nucleotide variant.
Coding change: c.1084T>C on transcript NM_006517.5 (MANE Select); coding-DNA position 1084, T replaced by C.
Protein change: p.Cys362Arg; replaces cysteine 362 with arginine.
Molecular consequence: missense variant.
Genome position (GRCh38, 1-based): chrX:74,525,807, T>C. VCF-style: chrX-74525807-T-C. GRCh37 (hg19) VCF-style: chrX-73745642-T-C.
Other names: short protein forms C362R.
Identifiers: ClinVar variation 458240 (VCV000458240.8), dbSNP rs1555989837, ClinGen allele CA413657958.
Genomic context (GRCh38, chrX:74,525,807, plus strand): 5'-CAGATGAAGTATGTGGAGGAGGAGTTCTCAGAAATCAAGGAGACCTGGGTGCTCTTGGTG[T>C]GTATTGGGGCTACCTCAGGCCTTGGGCGTCTTGTGTCAGGCCACATCAGTGACTCCATCC-3'
Protein context (NP_006508.2, residues 352-372): EIKETWVLLV[Cys362Arg]IGATSGLGRL